The following is an entry in ClinVar:

NM_000051.4(ATM):c.2524dup (p.Thr842fs)

Gene: ATM (ATM serine/threonine kinase; plus strand). Cytogenetic location: 11q22.3.
Variant type: Duplication.
Coding change: c.2524dup on transcript NM_000051.4 (MANE Select); coding-DNA position 2524, one base duplicated (A; older notation c.2524dupA).
Protein change: p.Thr842fs; shifts the reading frame from threonine 842.
Molecular consequence: frameshift variant.
Genome position (GRCh38, 1-based): chr11:108,267,228, A duplicated. VCF-style (leftmost placement, unchanged base first): chr11-108267227-T-TA. GRCh37 (hg19) VCF-style: chr11-108137954-T-TA.
Other names: c.2524dupA (NM_000051.3); c.2524dup, p.Thr842fs (NM_001351834.2); short protein forms T842fs.
Identifiers: ClinVar variation 453420 (VCV000453420.11), dbSNP rs1555082160, ClinGen allele CA658656232.

ClinVar aggregate classification (germline): Pathogenic/Likely pathogenic. Review status: criteria provided, multiple submitters, no conflicts (2 of 4 stars). 4 submissions from 4 submitters: Pathogenic (3); Likely pathogenic (1). Last evaluated 2025-08-06.

Conditions:
Hereditary cancer-predisposing syndrome. Also called: Tumor predisposition; Hereditary Cancer Syndrome; Neoplastic Syndromes, Hereditary; Hereditary neoplastic syndrome. Identifiers: Orphanet 140162, MedGen C0027672, MeSH D009386, MONDO:0015356.
Familial cancer of breast. Also called: Hereditary breast cancer; hereditary breast carcinoma; BREAST CANCER, FAMILIAL. Identifiers: Orphanet 227535, MedGen C0346153, MONDO:0016419, OMIM 114480. Disease mechanism: loss of function.
Ataxia-telangiectasia syndrome (AT). Also called: Cerebello-oculocutaneous telangiectasia; Immunodeficiency with ataxia telangiectasia; Ataxia-telangiectasia, complementation group D; AT, COMPLEMENTATION GROUP C; Ataxia-telangiectasia, complementation group E; LOUIS-BAR SYNDROME. Identifiers: Orphanet 100, MedGen C0004135, MONDO:0008840, OMIM 208900.

Submissions (4):

Labcorp Genetics (formerly Invitae), Labcorp
Classification: Pathogenic for Ataxia-telangiectasia syndrome. Last evaluated: 2025-08-06. Review status: criteria provided, single submitter. Criteria: Invitae Variant Classification Sherloc (09022015). Collection method: clinical testing. Allele origin: germline.
Comment: This sequence change creates a premature translational stop signal (p.Thr842Asnfs*2) in the ATM gene. It is expected to result in an absent or disrupted protein product. Loss-of-function variants in ATM are known to be pathogenic (PMID: 23807571, 25614872). This variant is not present in population databases (gnomAD no frequency). This variant has not been reported in the literature in individuals affected with ATM-related conditions. ClinVar contains an entry for this variant (Variation ID: 453420). For these reasons, this variant has been classified as Pathogenic.

Myriad Genetics, Inc.
Classification: Pathogenic for Familial cancer of breast. Last evaluated: 2024-01-18. Review status: criteria provided, single submitter. Criteria: Myriad Autosomal Dominant, Autosomal Recessive and X-Linked Classification Criteria (2023). Collection method: clinical testing. Allele origin: unknown.
Comment: This variant is considered pathogenic. This variant creates a frameshift predicted to result in premature protein truncation.

Ambry Genetics
Classification: Pathogenic for Hereditary cancer-predisposing syndrome. Last evaluated: 2022-05-06. Review status: criteria provided, single submitter. Criteria: Ambry Variant Classification Scheme 2023. Collection method: clinical testing. Allele origin: germline.
Comment: The c.2524dupA pathogenic mutation, located in coding exon 16 of the ATM gene, results from a duplication of A at nucleotide position 2524, causing a translational frameshift with a predicted alternate stop codon (p.T842Nfs*2). This variant is considered to be rare based on population cohorts in the Genome Aggregation Database (gnomAD). This alteration is expected to result in loss of function by premature protein truncation or nonsense-mediated mRNA decay. As such, this alteration is interpreted as a disease-causing mutation.

Baylor Genetics
Classification: Likely pathogenic for Familial cancer of breast. Last evaluated: 2022-02-25. Review status: criteria provided, single submitter. Criteria: ACMG Guidelines, 2015. Collection method: clinical testing. Allele origin: unknown.

Literature cited by the submitters: PubMed 23807571 (cited by Labcorp Genetics (formerly Invitae), Labcorp); PubMed 25614872 (cited by Labcorp Genetics (formerly Invitae), Labcorp).